The following is an entry in ClinVar:

NM_000215.4(JAK3):c.*1761T>A

Gene: JAK3 (Janus kinase 3; minus strand). Cytogenetic location: 19p13.11.
Variant type: single nucleotide variant.
Coding change: c.*1761T>A on transcript NM_000215.4 (MANE Select); 1761 bases downstream of the stop codon, T replaced by A.
Molecular consequence: 3 prime UTR variant.
Genome position (GRCh38, 1-based): chr19:17,824,982, A>T on the plus strand (T>A on the coding strand, the complement: JAK3 is on the minus strand). VCF-style: chr19-17824982-A-T. GRCh37 (hg19) VCF-style: chr19-17935791-A-T.
Identifiers: ClinVar variation 890572 (VCV000890572.4), dbSNP rs188773566, ClinGen allele CA306117789.

ClinVar aggregate classification (germline): Likely benign (1 of 4 stars; one submission).

Conditions:
T-B+ severe combined immunodeficiency due to JAK3 deficiency. Also called: SCID, T CELL-NEGATIVE, B CELL-POSITIVE, NK CELL-NEGATIVE; SCID, autosomal recessive, T-negative/B-positive type. Identifiers: Orphanet 35078, MedGen C1833275, MONDO:0010938, OMIM 600802.

Allele frequency attached by ClinVar (database versions not stated): gnomAD 0.00011 and 0.00017; gnomAD exomes 0.00017; TOPMed 0.00017; 1000 Genomes Project 30x 0.00141; 1000 Genomes Project 0.00160.
gnomAD v4.1: 36 of 221,926 alleles (0.016%); highest among the groups gnomAD compares: East Asian, 0.24%; 1 homozygote.

Submission:

Illumina Laboratory Services, Illumina
Classification: Likely benign for T-B+ severe combined immunodeficiency due to JAK3 deficiency. Last evaluated: 2018-01-13. Review status: criteria provided, single submitter. Criteria: ICSL Variant Classification Criteria 13 December 2019. Collection method: clinical testing. Allele origin: germline.
Comment: This variant was observed in the ICSL laboratory as part of a predisposition screen in an ostensibly healthy population. It had not been previously curated by ICSL or reported in the Human Gene Mutation Database (HGMD: prior to June 1st, 2018), and was therefore a candidate for classification through an automated scoring system. Utilizing variant allele frequency, disease prevalence and penetrance estimates, and inheritance mode, an automated score was calculated to assess if this variant is too frequent to cause the disease. Based on the score and internal cut-off values, a variant classified as likely benign is not then subjected to further curation. The score for this variant resulted in a classification of likely benign for this disease.